The following is an entry in ClinVar:

NM_022356.4(P3H1):c.1233G>A (p.Arg411=)

Gene: P3H1 (prolyl 3-hydroxylase 1; minus strand). Cytogenetic location: 1p34.2.
Variant type: single nucleotide variant.
Coding change: c.1233G>A on transcript NM_022356.4 (MANE Select); coding-DNA position 1233, G replaced by A.
Protein change: p.Arg411=; no amino-acid change (arginine 411 retained).
Molecular consequence: synonymous variant.
Genome position (GRCh38, 1-based): chr1:42,754,981, C>T on the plus strand (G>A on the coding strand, the complement: P3H1 is on the minus strand). VCF-style: chr1-42754981-C-T. GRCh37 (hg19) VCF-style: chr1-43220652-C-T.
Other names: c.1233G>A, p.Arg411= (NM_001146289.2, NM_001243246.2).
Identifiers: ClinVar variation 379643 (VCV000379643.27), dbSNP rs61746653, ClinGen allele CA801902.

ClinVar aggregate classification (germline): Conflicting classifications of pathogenicity. Review status: criteria provided, conflicting classifications (1 of 4 stars). 6 submissions from 5 submitters: Uncertain significance (1); Benign (4); Likely benign (1). Last evaluated 2026-02-01.

Conditions:
Osteogenesis imperfecta (OI). Identifiers: Orphanet 666, MedGen C0029434, MeSH D010013, MONDO:0019019.
Osteogenesis imperfecta type 8 (OI8). Identifiers: MedGen C1970458, MONDO:0012581, OMIM 610915.
Osteogenesis Imperfecta, Recessive.

Allele frequency attached by ClinVar (database versions not stated): gnomAD exomes 0.00090 and 0.00260; ExAC 0.00314; gnomAD 0.01014 and 0.01103; 1000 Genomes Project 0.01038; 1000 Genomes Project 30x 0.01140; TOPMed 0.01155; ESP Exome Variant Server 0.01161.
gnomAD v4.1: 2,930 of 1,614,204 alleles (0.18%); highest among the groups gnomAD compares: African/African-American, 3.5%; 58 homozygotes.

Submissions (6):

Labcorp Genetics (formerly Invitae), Labcorp
Classification: Benign for Osteogenesis imperfecta type 8. Last evaluated: 2026-02-01. Review status: criteria provided, single submitter. Criteria: Invitae Variant Classification Sherloc (09022015). Collection method: clinical testing. Allele origin: germline.

ARUP Laboratories, Molecular Genetics and Genomics, ARUP Laboratories
Classification: Benign for Osteogenesis imperfecta type 8. Last evaluated: 2024-09-30. Review status: criteria provided, single submitter. Criteria: ARUP Molecular Germline Variant Investigation Process 2024. Collection method: clinical testing. Allele origin: germline.

Genome Diagnostics Laboratory, The Hospital for Sick Children
Classification: Likely benign for Osteogenesis imperfecta. Last evaluated: 2021-08-21. Review status: criteria provided, single submitter. Criteria: ACMG Guidelines, 2015. Collection method: clinical testing. Allele origin: germline.

Illumina Laboratory Services, Illumina
Classification: Benign for Osteogenesis imperfecta type 8. Last evaluated: 2018-01-12. Review status: criteria provided, single submitter. Criteria: ICSL Variant Classification Criteria 13 December 2019. Collection method: clinical testing. Allele origin: germline.
Comment: This variant was observed in the ICSL laboratory as part of a predisposition screen in an ostensibly healthy population. It had not been previously curated by ICSL or reported in the Human Gene Mutation Database (HGMD: prior to June 1st, 2018), and was therefore a candidate for classification through an automated scoring system. Utilizing variant allele frequency, disease prevalence and penetrance estimates, and inheritance mode, an automated score was calculated to assess if this variant is too frequent to cause the disease. Based on the score and internal cut-off values, a variant classified as benign is not then subjected to further curation. The score for this variant resulted in a classification of benign for this disease.

Illumina Laboratory Services, Illumina
Classification: Uncertain significance for Osteogenesis Imperfecta, Recessive. Last evaluated: 2017-04-28. Review status: criteria provided, single submitter. Criteria: ICSL Variant Classification Criteria 13 December 2019. Collection method: clinical testing. Allele origin: germline.

GeneDx
Classification: Benign. Last evaluated: 2016-10-10. Review status: criteria provided, single submitter. Criteria: GeneDx Variant Classification (06012015). Collection method: clinical testing. Allele origin: germline. Affected: yes.
Comment: This variant is considered likely benign or benign based on one or more of the following criteria: it is a conservative change, it occurs at a poorly conserved position in the protein, it is predicted to be benign by multiple in silico algorithms, and/or has population frequency not consistent with disease.